The following is an entry in ClinVar:

NM_152305.3(POGLUT1):c.1023-125_1091del

Gene: POGLUT1 (protein O-glucosyltransferase 1; plus strand). Cytogenetic location: 3q13.33.
Variant type: Deletion.
Coding change: c.1023-125_1091del on transcript NM_152305.3 (MANE Select); 125 bases into the intron before coding-DNA position 1023 through coding-DNA position 1091, 194 bases deleted.
Molecular consequence: splice acceptor variant.
Genome position (GRCh38, 1-based): chr3:119,492,157-119,492,350, 194 bases deleted. GRCh37 (hg19): chr3:119,211,004-119,211,197.
Identifiers: ClinVar variation 2113646 (VCV002113646.4), dbSNP rs2473052364, ClinGen allele CA2580068592.

ClinVar aggregate classification (germline): Uncertain significance (1 of 4 stars; one submission).

Submission:

Labcorp Genetics (formerly Invitae), Labcorp
Classification: Uncertain significance. Last evaluated: 2023-12-21. Review status: criteria provided, single submitter. Criteria: Invitae Variant Classification Sherloc (09022015). Collection method: clinical testing. Allele origin: germline.
Comment: This variant results in the deletion of part of exon 11 (c.1023-125_1091del) of the POGLUT1 gene. While this variant is not anticipated to result in nonsense mediated decay, it likely alters RNA splicing and results in a disrupted protein product. This variant is not present in population databases (gnomAD no frequency). This variant has not been reported in the literature in individuals affected with POGLUT1-related conditions. ClinVar contains an entry for this variant (Variation ID: 2113646). Variants that disrupt the consensus splice site are a relatively common cause of aberrant splicing (PMID: 17576681, 9536098). In summary, the available evidence is currently insufficient to determine the role of this variant in disease. Therefore, it has been classified as a Variant of Uncertain Significance.

Literature cited by the submitters: PubMed 17576681; PubMed 9536098.